The following is an entry in ClinVar:

ClinVar aggregate classification (germline): Uncertain significance. Review status: criteria provided, multiple submitters, no conflicts (2 of 4 stars). 2 submissions from 2 submitters: Uncertain significance (2). Last evaluated 2023-08-04.

Allele frequency attached by ClinVar (database versions not stated): gnomAD exomes below 0.00001; TOPMed below 0.00001.
gnomAD v4.1: 2 of 1,559,384 alleles (0.00013%); highest among the groups gnomAD compares: Non-Finnish European, 0.00017%; no homozygotes.

Submissions (2):

Ambry Genetics
Classification: Uncertain significance. Last evaluated: 2023-08-04. Review status: criteria provided, single submitter. Criteria: Ambry Variant Classification Scheme 2023. Collection method: clinical testing. Allele origin: germline.

Labcorp Genetics (formerly Invitae), Labcorp
Classification: Uncertain significance. Last evaluated: 2023-07-26. Review status: criteria provided, single submitter. Criteria: Invitae Variant Classification Sherloc (09022015). Collection method: clinical testing. Allele origin: germline.
Comment: This sequence change replaces serine, which is neutral and polar, with cysteine, which is neutral and slightly polar, at codon 501 of the POLE2 protein (p.Ser501Cys). The frequency data for this variant in the population databases is considered unreliable, as metrics indicate poor data quality at this position in the gnomAD database. This variant has not been reported in the literature in individuals affected with POLE2-related conditions. ClinVar contains an entry for this variant (Variation ID: 1054580). An algorithm developed to predict the effect of missense changes on protein structure and function (PolyPhen-2) suggests that this variant is likely to be disruptive. In summary, the available evidence is currently insufficient to determine the role of this variant in disease. Therefore, it has been classified as a Variant of Uncertain Significance.

NM_002692.4(POLE2):c.1502C>G (p.Ser501Cys)

Gene: POLE2 (DNA polymerase epsilon 2, accessory subunit; minus strand). Cytogenetic location: 14q21.3.
Variant type: single nucleotide variant.
Coding change: c.1502C>G on transcript NM_002692.4 (MANE Select); coding-DNA position 1502, C replaced by G.
Protein change: p.Ser501Cys; replaces serine 501 with cysteine.
Molecular consequence: missense variant.
Genome position (GRCh38, 1-based): chr14:49,647,356, G>C on the plus strand (C>G on the coding strand, the complement: POLE2 is on the minus strand). VCF-style: chr14-49647356-G-C. GRCh37 (hg19) VCF-style: chr14-50114074-G-C.
Other names: c.1424C>G, p.Ser475Cys (NM_001197330.2); c.1499C>G, p.Ser500Cys (NM_001348384.2); c.1271C>G, p.Ser424Cys (NM_001348385.2); c.1502C>G (NM_002692.3); short protein forms S424C, S475C, S500C, S501C.
Identifiers: ClinVar variation 1054580 (VCV001054580.12), dbSNP rs1450202054, ClinGen allele CA389636171.
Genomic context (GRCh38, chr14:49,647,356, plus strand): 5'-TCTTCTACTGTCTTATTAGAAGGATAAAAAACTTTGAATGAAAATCCACTTCTTGGAAAA[G>C]AGCCCTTTGGGGGAGAAAAATGCCTGTAAGTGAATGCTCAGACTTTTTTTTAAAATAAAT-3'
Protein context (NP_002683.2, residues 491-511): NTECLCINPG[Ser501Cys]FPRSGFSFKV